The following is an entry in ClinVar:

ClinVar aggregate classification (germline): Benign/Likely benign. Review status: criteria provided, multiple submitters, no conflicts (2 of 4 stars). 5 submissions from 5 submitters: Benign (1); Likely benign (4). Last evaluated 2024-08-12.

Conditions:
Hereditary cancer-predisposing syndrome. Also called: Hereditary neoplastic syndrome; Neoplastic Syndromes, Hereditary; Tumor predisposition; Hereditary Cancer Syndrome. Identifiers: Orphanet 140162, MedGen C0027672, MeSH D009386, MONDO:0015356.
Familial cancer of breast. Also called: BREAST CANCER, FAMILIAL; Hereditary breast cancer; hereditary breast carcinoma. Identifiers: Orphanet 227535, MedGen C0346153, MONDO:0016419, OMIM 114480. Disease mechanism: loss of function.
Ataxia-telangiectasia syndrome (AT). Also called: LOUIS-BAR SYNDROME; Cerebello-oculocutaneous telangiectasia; Immunodeficiency with ataxia telangiectasia; AT, COMPLEMENTATION GROUP C; Ataxia-telangiectasia, complementation group D; ATAXIA-TELANGIECTASIA, COMPLEMENTATION GROUP A. Identifiers: Orphanet 100, MedGen C0004135, MONDO:0008840, OMIM 208900.

Allele frequency attached by ClinVar (database versions not stated): gnomAD exomes below 0.00001.
gnomAD v4.1: 1 of 1,610,824 alleles (0.000062%); highest among the groups gnomAD compares: East Asian, 0.0022%; no homozygotes.

Submissions (5):

Color Diagnostics, LLC DBA Color Health
Classification: Likely benign for Hereditary cancer-predisposing syndrome. Last evaluated: 2024-08-12. Review status: criteria provided, single submitter. Criteria: ACMG Guidelines, 2015. Collection method: clinical testing. Allele origin: germline.

Myriad Genetics, Inc.
Classification: Benign for Familial cancer of breast. Last evaluated: 2024-05-07. Review status: criteria provided, single submitter. Criteria: Myriad Autosomal Dominant, Autosomal Recessive and X-Linked Classification Criteria (2023). Collection method: clinical testing. Allele origin: unknown.
Comment: This variant is considered benign. This variant is a silent/synonymous amino acid change and it is not expected to impact splicing.

Labcorp Genetics (formerly Invitae), Labcorp
Classification: Likely benign for Ataxia-telangiectasia syndrome. Last evaluated: 2024-02-02. Review status: criteria provided, single submitter. Criteria: Invitae Variant Classification Sherloc (09022015). Collection method: clinical testing. Allele origin: germline.

Women's Health and Genetics/Laboratory Corporation of America, LabCorp
Classification: Likely benign. Last evaluated: 2023-08-19. Review status: criteria provided, single submitter. Criteria: LabCorp Variant Classification Summary - May 2015. Collection method: clinical testing. Allele origin: germline.

Ambry Genetics
Classification: Likely benign for Hereditary cancer-predisposing syndrome. Last evaluated: 2017-05-04. Review status: criteria provided, single submitter. Criteria: Ambry Variant Classification Scheme 2023. Collection method: clinical testing. Allele origin: germline.

NM_000051.4(ATM):c.2233T>C (p.Leu745=)

Gene: ATM (ATM serine/threonine kinase; plus strand). Cytogenetic location: 11q22.3.
Variant type: single nucleotide variant.
Coding change: c.2233T>C on transcript NM_000051.4 (MANE Select); coding-DNA position 2233, T replaced by C.
Protein change: p.Leu745=; no amino-acid change (leucine 745 retained).
Molecular consequence: synonymous variant.
Genome position (GRCh38, 1-based): chr11:108,256,323, T>C. VCF-style: chr11-108256323-T-C. GRCh37 (hg19) VCF-style: chr11-108127050-T-C.
Other names: c.2233T>C, p.Leu745= (NM_001351834.2).
Identifiers: ClinVar variation 482718 (VCV000482718.15), dbSNP rs1293287271, ClinGen allele CA476672543.